The following is an entry in ClinVar:

NM_015450.3(POT1):c.1328G>T (p.Gly443Val)

Gene: POT1 (protection of telomeres 1; minus strand). Cytogenetic location: 7q31.33.
Variant type: single nucleotide variant.
Coding change: c.1328G>T on transcript NM_015450.3 (MANE Select); coding-DNA position 1328, G replaced by T.
Protein change: p.Gly443Val; replaces glycine 443 with valine.
Molecular consequence: missense variant. On other transcripts: non-coding transcript variant (3).
Genome position (GRCh38, 1-based): chr7:124,841,014, C>A on the plus strand (G>T on the coding strand, the complement: POT1 is on the minus strand). VCF-style: chr7-124841014-C-A. GRCh37 (hg19) VCF-style: chr7-124481068-C-A.
Other names: c.935G>T, p.Gly312Val (NM_001042594.2); short protein forms G312V, G443V.
Identifiers: ClinVar variation 4141950 (VCV004141950.1).

ClinVar aggregate classification (germline): Uncertain significance (1 of 4 stars; one submission).

Conditions:
Hereditary cancer-predisposing syndrome. Also called: Hereditary neoplastic syndrome; Neoplastic Syndromes, Hereditary; Tumor predisposition; Hereditary Cancer Syndrome. Identifiers: Orphanet 140162, MedGen C0027672, MeSH D009386, MONDO:0015356.

Submission:

Ambry Genetics
Classification: Uncertain significance for Hereditary cancer-predisposing syndrome. Last evaluated: 2025-08-24. Review status: criteria provided, single submitter. Criteria: Ambry Variant Classification Scheme 2023. Collection method: clinical testing. Allele origin: germline.
Comment: The p.G443V variant (also known as c.1328G>T), located in coding exon 10 of the POT1 gene, results from a G to T substitution at nucleotide position 1328. The glycine at codon 443 is replaced by valine, an amino acid with dissimilar properties. This amino acid position is conserved. In addition, this alteration is predicted to be tolerated by in silico analysis. Based on the available evidence, the clinical significance of this variant remains unclear.